The following is an entry in ClinVar:

ClinVar aggregate classification (germline): Uncertain significance. Review status: criteria provided, multiple submitters, no conflicts (2 of 4 stars). 2 submissions from 2 submitters: Uncertain significance (2). Last evaluated 2024-12-31.

Conditions:
Inborn genetic diseases. Identifiers: MedGen C0950123, MeSH D030342.
Pyruvate carboxylase deficiency. Also called: ATAXIA WITH LACTIC ACIDOSIS II; Pyruvate Carboxylase Deficiency Disease; PC DEFICIENCY; LEIGH NECROTIZING ENCEPHALOPATHY DUE TO PYRUVATE CARBOXYLASE DEFICIENCY; LEIGH SYNDROME DUE TO PYRUVATE CARBOXYLASE DEFICIENCY. Identifiers: Orphanet 3008, MedGen C0034341, MONDO:0009949, OMIM 266150.

Allele frequency attached by ClinVar (database versions not stated): ExAC 0.00001; gnomAD 0.00001; gnomAD exomes 0.00001; TOPMed 0.00002.
gnomAD v4.1: 19 of 1,602,480 alleles (0.0012%); highest among the groups gnomAD compares: South Asian, 0.0033%; 1 homozygote.

Submissions (2):

Ambry Genetics
Classification: Uncertain significance for Inborn genetic diseases. Last evaluated: 2024-12-31. Review status: criteria provided, single submitter. Criteria: Ambry Variant Classification Scheme 2023. Collection method: clinical testing. Allele origin: germline.

Labcorp Genetics (formerly Invitae), Labcorp
Classification: Uncertain significance for Pyruvate carboxylase deficiency. Last evaluated: 2024-04-25. Review status: criteria provided, single submitter. Criteria: Invitae Variant Classification Sherloc (09022015). Collection method: clinical testing. Allele origin: germline.
Comment: This sequence change replaces valine, which is neutral and non-polar, with isoleucine, which is neutral and non-polar, at codon 342 of the PC protein (p.Val342Ile). The frequency data for this variant in the population databases is considered unreliable, as metrics indicate poor data quality at this position in the gnomAD database. This variant has not been reported in the literature in individuals affected with PC-related conditions. ClinVar contains an entry for this variant (Variation ID: 2413465). An algorithm developed to predict the effect of missense changes on protein structure and function (PolyPhen-2) suggests that this variant is likely to be tolerated. In summary, the available evidence is currently insufficient to determine the role of this variant in disease. Therefore, it has been classified as a Variant of Uncertain Significance.

NM_001040716.2(PC):c.1024G>A (p.Val342Ile)

Gene: PC (pyruvate carboxylase; minus strand). Cytogenetic location: 11q13.2.
Variant type: single nucleotide variant.
Coding change: c.1024G>A on transcript NM_001040716.2 (MANE Select); coding-DNA position 1024, G replaced by A.
Protein change: p.Val342Ile; replaces valine 342 with isoleucine.
Molecular consequence: missense variant.
Genome position (GRCh38, 1-based): chr11:66,866,348, C>T on the plus strand (G>A on the coding strand, the complement: PC is on the minus strand). VCF-style: chr11-66866348-C-T. GRCh37 (hg19) VCF-style: chr11-66633819-C-T.
Other names: c.1024G>A (NM_000920.3); c.1024G>A, p.Val342Ile (NM_000920.4, NM_022172.3); short protein forms V342I.
Identifiers: ClinVar variation 2413465 (VCV002413465.6), dbSNP rs776357275, ClinGen allele CA6131998.